The following is an entry in ClinVar:

ClinVar aggregate classification (germline): Uncertain significance (1 of 4 stars; one submission).

gnomAD v4.1: 2 of 1,613,510 alleles (0.00012%); highest among the groups gnomAD compares: Admixed American, 0.0033%; no homozygotes.

Submission:

Labcorp Genetics (formerly Invitae), Labcorp
Classification: Uncertain significance. Last evaluated: 2025-08-19. Review status: criteria provided, single submitter. Criteria: Invitae Variant Classification Sherloc (09022015). Collection method: clinical testing. Allele origin: germline.
Comment: This sequence change replaces serine, which is neutral and polar, with phenylalanine, which is neutral and non-polar, at codon 308 of the IKZF1 protein (p.Ser308Phe). This variant is present in population databases (rs767081998, gnomAD 0.006%). This variant has not been reported in the literature in individuals affected with IKZF1-related conditions. An algorithm developed to predict the effect of missense changes on protein structure and function (PolyPhen-2) suggests that this variant is likely to be tolerated. In summary, the available evidence is currently insufficient to determine the role of this variant in disease. Therefore, it has been classified as a Variant of Uncertain Significance.

NM_006060.6(IKZF1):c.923C>T (p.Ser308Phe)

Gene: IKZF1 (IKAROS family zinc finger 1; plus strand). Cytogenetic location: 7p12.2.
Variant type: single nucleotide variant.
Coding change: c.923C>T on transcript NM_006060.6 (MANE Select); coding-DNA position 923, C replaced by T.
Protein change: p.Ser308Phe; replaces serine 308 with phenylalanine.
Molecular consequence: missense variant.
Genome position (GRCh38, 1-based): chr7:50,399,990, C>T. VCF-style: chr7-50399990-C-T. GRCh37 (hg19) VCF-style: chr7-50467688-C-T.
Other names: c.797C>T, p.Ser266Phe (NM_001220765.3, NM_001291837.2); c.632C>T, p.Ser211Phe (NM_001220767.2); c.662C>T, p.Ser221Phe (NM_001220768.2, NM_001291838.2); c.506C>T, p.Ser169Phe (NM_001220770.2); c.494C>T, p.Ser165Phe (NM_001220771.2, NM_001291841.1); c.536C>T, p.Ser179Phe (NM_001291839.2); c.233C>T, p.Ser78Phe (NM_001291840.1); c.464C>T, p.Ser155Phe (NM_001291842.1); and 3 more; short protein forms S113F, S123F, S155F, S328F, S179F, S221F, S308F, S169F.
Identifiers: ClinVar variation 4781826 (VCV004781826.1).